The following is an entry in ClinVar:

ClinVar aggregate classification (germline): Uncertain significance (1 of 4 stars; one submission).

Allele frequency attached by ClinVar (database versions not stated): TOPMed below 0.00001; ExAC 0.00002; gnomAD 0.00002; gnomAD exomes 0.00003.
gnomAD v4.1: 38 of 1,608,502 alleles (0.0024%); highest among the groups gnomAD compares: South Asian, 0.042%; no homozygotes.

Submission:

Labcorp Genetics (formerly Invitae), Labcorp
Classification: Uncertain significance. Last evaluated: 2024-02-24. Review status: criteria provided, single submitter. Criteria: Invitae Variant Classification Sherloc (09022015). Collection method: clinical testing. Allele origin: germline.
Comment: This sequence change replaces proline, which is neutral and non-polar, with leucine, which is neutral and non-polar, at codon 792 of the HMCN1 protein (p.Pro792Leu). This variant is present in population databases (rs764866313, gnomAD 0.04%), and has an allele count higher than expected for a pathogenic variant. This variant has not been reported in the literature in individuals affected with HMCN1-related conditions. ClinVar contains an entry for this variant (Variation ID: 1936075). An algorithm developed to predict the effect of missense changes on protein structure and function (PolyPhen-2) suggests that this variant is likely to be tolerated. In summary, the available evidence is currently insufficient to determine the role of this variant in disease. Therefore, it has been classified as a Variant of Uncertain Significance.

NM_031935.3(HMCN1):c.2375C>T (p.Pro792Leu)

Gene: HMCN1 (hemicentin 1; plus strand). Cytogenetic location: 1q31.1.
Variant type: single nucleotide variant.
Coding change: c.2375C>T on transcript NM_031935.3 (MANE Select); coding-DNA position 2375, C replaced by T.
Protein change: p.Pro792Leu; replaces proline 792 with leucine.
Molecular consequence: missense variant.
Genome position (GRCh38, 1-based): chr1:185,977,790, C>T. VCF-style: chr1-185977790-C-T. GRCh37 (hg19) VCF-style: chr1-185946922-C-T.
Other names: short protein forms P792L.
Identifiers: ClinVar variation 1936075 (VCV001936075.5), dbSNP rs764866313, ClinGen allele CA1291380.
Genomic context (GRCh38, chr1:185,977,790, plus strand): 5'-TTTAATATGCCTGTATAATATACCGATGACTTATTTGTTGTTTGTAATGTCTTCCAGCAC[C>T]TCCAGTTTTCATACAAGAACCTGCTGATGTGTCTATGGAAATTGGCTCAAATGTGACATT-3'
Protein context (NP_114141.2, residues 782-802): TGKITLDVGS[Pro792Leu]PVFIQEPADV